The following is an entry in ClinVar:

NM_006118.4(HAX1):c.836G>A (p.Arg279Gln)

Gene: HAX1 (HCLS1 associated protein X-1; plus strand). Cytogenetic location: 1q21.3.
Variant type: single nucleotide variant.
Coding change: c.836G>A on transcript NM_006118.4 (MANE Select); coding-DNA position 836, G replaced by A.
Protein change: p.Arg279Gln; replaces arginine 279 with glutamine.
Molecular consequence: missense variant.
Genome position (GRCh38, 1-based): chr1:154,275,697, G>A. VCF-style: chr1-154275697-G-A. GRCh37 (hg19) VCF-style: chr1-154248173-G-A.
Other names: c.836G>A (NM_006118.3); c.692G>A, p.Arg231Gln (NM_001018837.2); short protein forms R231Q, R279Q.
Identifiers: ClinVar variation 1440384 (VCV001440384.6), dbSNP rs746872949, ClinGen allele CA1127486.

ClinVar aggregate classification (germline): Uncertain significance. Review status: criteria provided, multiple submitters, no conflicts (2 of 4 stars). 2 submissions from 2 submitters: Uncertain significance (2). Last evaluated 2025-02-11.

Conditions:
Kostmann syndrome (SCN3). Also called: KOSTMANN DISEASE; Autosomal recessive severe congenital neutropenia type 3. Identifiers: Orphanet 99749, MedGen C5235141, MONDO:0012548, OMIM 610738.
Inborn genetic diseases. Identifiers: MedGen C0950123, MeSH D030342.

Allele frequency attached by ClinVar (database versions not stated): gnomAD 0.00001.
gnomAD v4.1: 22 of 1,611,332 alleles (0.0014%); highest among the groups gnomAD compares: African/African-American, 0.0027%; no homozygotes.

Submissions (2):

Ambry Genetics
Classification: Uncertain significance for Inborn genetic diseases. Last evaluated: 2025-02-11. Review status: criteria provided, single submitter. Criteria: Ambry Variant Classification Scheme 2023. Collection method: clinical testing. Allele origin: germline.
Comment: The p.R279Q variant (also known as c.836G>A), located in coding exon 7 of the HAX1 gene, results from a G to A substitution at nucleotide position 836. The arginine at codon 279 is replaced by glutamine, an amino acid with highly similar properties. This amino acid position is conserved. In addition, this alteration is predicted to be tolerated by in silico analysis. Based on the available evidence, the clinical significance of this variant remains unclear.

Labcorp Genetics (formerly Invitae), Labcorp
Classification: Uncertain significance for Kostmann syndrome. Last evaluated: 2022-08-04. Review status: criteria provided, single submitter. Criteria: Invitae Variant Classification Sherloc (09022015). Collection method: clinical testing. Allele origin: germline.
Comment: This sequence change replaces arginine, which is basic and polar, with glutamine, which is neutral and polar, at codon 279 of the HAX1 protein (p.Arg279Gln). This variant is present in population databases (rs746872949, gnomAD 0.01%). This variant has not been reported in the literature in individuals affected with HAX1-related conditions. ClinVar contains an entry for this variant (Variation ID: 1440384). Algorithms developed to predict the effect of missense changes on protein structure and function output the following: SIFT: "Tolerated"; PolyPhen-2: "Benign"; Align-GVGD: "Class C0". The glutamine amino acid residue is found in multiple mammalian species, which suggests that this missense change does not adversely affect protein function. Algorithms developed to predict the effect of sequence changes on RNA splicing suggest that this variant may create or strengthen a splice site. In summary, the available evidence is currently insufficient to determine the role of this variant in disease. Therefore, it has been classified as a Variant of Uncertain Significance.